The following is an entry in ClinVar:

NM_014336.5(AIPL1):c.301T>C (p.Ser101Pro)

Gene: AIPL1 (AIP like 1 HSP90 co-chaperone; minus strand). Cytogenetic location: 17p13.2.
Variant type: single nucleotide variant.
Coding change: c.301T>C on transcript NM_014336.5 (MANE Select); coding-DNA position 301, T replaced by C.
Protein change: p.Ser101Pro; replaces serine 101 with proline.
Molecular consequence: missense variant. On other transcripts: intron variant (1).
Genome position (GRCh38, 1-based): chr17:6,428,482, A>G on the plus strand (T>C on the coding strand, the complement: AIPL1 is on the minus strand). VCF-style: chr17-6428482-A-G. GRCh37 (hg19) VCF-style: chr17-6331802-A-G.
Other names: c.121T>C, p.Ser41Pro (NM_001033055.3); c.265T>C, p.Ser89Pro (NM_001285399.3); c.235T>C, p.Ser79Pro (NM_001285400.3); c.301T>C, p.Ser101Pro (NM_001285401.3, NM_001285403.4); c.184T>C, p.Ser62Pro (NM_001285402.2); c.277-1425T>C (NM_001033054.3); short protein forms S62P, S79P, S89P, S101P, S41P.
Identifiers: ClinVar variation 3544488 (VCV003544488.1).

ClinVar aggregate classification (germline): Likely pathogenic (1 of 4 stars; one submission).

Conditions:
Leber congenital amaurosis (LCA). Also called: Leber's amaurosis. Identifiers: Orphanet 65, MedGen C0339527, MeSH D057130, MONDO:0018998.

gnomAD v4.1: 1 of 1,614,012 alleles (0.000062%); highest among the groups gnomAD compares: Non-Finnish European, 0.000085%; no homozygotes.

Submission:

Lab De Baere, Eye and Developmental Genetics Lab, Ghent University
Classification: Likely pathogenic for Leber congenital amaurosis. Last evaluated: 2024-10-01. Review status: criteria provided, single submitter. Criteria: ACMG Guidelines, 2015. Collection method: research. Allele origin: inherited. Affected: yes. Observed: 1 variant allele.
Comment: ACMG/AMP guidelines: PM2, PP4_PP, PP3, PM3_PP, PM1